The following is an entry in ClinVar:

NM_020461.4(TUBGCP6):c.2030G>A (p.Arg677Gln)

Gene: TUBGCP6 (tubulin gamma complex component 6; minus strand). Cytogenetic location: 22q13.33.
Variant type: single nucleotide variant.
Coding change: c.2030G>A on transcript NM_020461.4 (MANE Select); coding-DNA position 2030, G replaced by A.
Protein change: p.Arg677Gln; replaces arginine 677 with glutamine.
Molecular consequence: missense variant.
Genome position (GRCh38, 1-based): chr22:50,224,546, C>T on the plus strand (G>A on the coding strand, the complement: TUBGCP6 is on the minus strand). VCF-style: chr22-50224546-C-T. GRCh37 (hg19) VCF-style: chr22-50662975-C-T.
Other names: short protein forms R677Q.
Identifiers: ClinVar variation 1464908 (VCV001464908.4), dbSNP rs772158509, ClinGen allele CA10308394.
Genomic context (GRCh38, chr22:50,224,546, plus strand): 5'-GAAGGGAGGACTTGGGGCCACTCACCACTCAGTGCACTCAGGACCCTGGATGCTGCTTCC[C>T]GGGCATGAGCGATTAATTCTTGTTTTGCAATTTCCATACGTAATTCCTGAGAAAGACAAC-3'
Protein context (NP_065194.3, residues 667-687): IAKQELIAHA[Arg677Gln]EAASRVLSAL

ClinVar aggregate classification (germline): Uncertain significance (1 of 4 stars; one submission).

Allele frequency attached by ClinVar (database versions not stated): TOPMed 0.00001; gnomAD 0.00001.
gnomAD v4.1: 7 of 1,614,024 alleles (0.00043%); highest among the groups gnomAD compares: Admixed American, 0.0017%; no homozygotes.

Submission:

Labcorp Genetics (formerly Invitae), Labcorp
Classification: Uncertain significance. Last evaluated: 2023-07-03. Review status: criteria provided, single submitter. Criteria: Invitae Variant Classification Sherloc (09022015). Collection method: clinical testing. Allele origin: germline.
Comment: In summary, the available evidence is currently insufficient to determine the role of this variant in disease. Therefore, it has been classified as a Variant of Uncertain Significance. An algorithm developed to predict the effect of missense changes on protein structure and function (PolyPhen-2) suggests that this variant is likely to be disruptive. ClinVar contains an entry for this variant (Variation ID: 1464908). This sequence change replaces arginine, which is basic and polar, with glutamine, which is neutral and polar, at codon 677 of the TUBGCP6 protein (p.Arg677Gln). This variant is present in population databases (rs772158509, gnomAD 0.003%). This variant has not been reported in the literature in individuals affected with TUBGCP6-related conditions.